The following is an entry in ClinVar:

ClinVar aggregate classification (germline): Uncertain significance (1 of 4 stars; one submission).

gnomAD v4.1: 1 of 1,163,110 alleles (0.000086%); highest among the groups gnomAD compares: Non-Finnish European, 0.00011%; no homozygotes.

Submission:

Labcorp Genetics (formerly Invitae), Labcorp
Classification: Uncertain significance. Last evaluated: 2023-10-13. Review status: criteria provided, single submitter. Criteria: Invitae Variant Classification Sherloc (09022015). Collection method: clinical testing. Allele origin: germline.
Comment: This sequence change replaces alanine, which is neutral and non-polar, with valine, which is neutral and non-polar, at codon 44 of the NR2F1 protein (p.Ala44Val). The frequency data for this variant in the population databases is considered unreliable, as metrics indicate insufficient coverage at this position in the gnomAD database. This variant has not been reported in the literature in individuals affected with NR2F1-related conditions. ClinVar contains an entry for this variant (Variation ID: 1524118). Advanced modeling of protein sequence and biophysical properties (such as structural, functional, and spatial information, amino acid conservation, physicochemical variation, residue mobility, and thermodynamic stability) performed at Invitae indicates that this missense variant is not expected to disrupt NR2F1 protein function. In summary, the available evidence is currently insufficient to determine the role of this variant in disease. Therefore, it has been classified as a Variant of Uncertain Significance.

NM_005654.6(NR2F1):c.131C>T (p.Ala44Val)

Genes: NR2F1 (nuclear receptor subfamily 2 group F member 1; plus strand), NR2F1-AS1 (NR2F1 regulatory antisense RNA 1; minus strand). Cytogenetic location: 5q15.
Variant type: single nucleotide variant.
Coding change: c.131C>T on transcript NM_005654.6 (MANE Select); coding-DNA position 131, C replaced by T.
Protein change: p.Ala44Val; replaces alanine 44 with valine.
Molecular consequence: missense variant.
Genome position (GRCh38, 1-based): chr5:93,585,154, C>T. VCF-style: chr5-93585154-C-T. GRCh37 (hg19) VCF-style: chr5-92920860-C-T.
Other names: short protein forms A44V.
Identifiers: ClinVar variation 1524118 (VCV001524118.8), dbSNP rs1753207201, ClinGen allele CA360525596.